The following is an entry in ClinVar:

ClinVar aggregate classification (germline): Uncertain significance (1 of 4 stars; one submission).

gnomAD v4.1: 15 of 1,614,004 alleles (0.00093%); highest among the groups gnomAD compares: Admixed American, 0.0067%; no homozygotes.

Submission:

Labcorp Genetics (formerly Invitae), Labcorp
Classification: Uncertain significance. Last evaluated: 2025-03-31. Review status: criteria provided, single submitter. Criteria: Invitae Variant Classification Sherloc (09022015). Collection method: clinical testing. Allele origin: germline.
Comment: This sequence change replaces arginine, which is basic and polar, with histidine, which is basic and polar, at codon 416 of the DISP1 protein (p.Arg416His). This variant is present in population databases (rs749629171, gnomAD 0.006%). This variant has not been reported in the literature in individuals affected with DISP1-related conditions. An algorithm developed to predict the effect of missense changes on protein structure and function (PolyPhen-2) suggests that this variant is likely to be disruptive. In summary, the available evidence is currently insufficient to determine the role of this variant in disease. Therefore, it has been classified as a Variant of Uncertain Significance.

NM_001377229.1(DISP1):c.1247G>A (p.Arg416His)

Gene: DISP1 (dispatched RND transporter family member 1; plus strand). Cytogenetic location: 1q41.
Variant type: single nucleotide variant.
Coding change: c.1247G>A on transcript NM_001377229.1 (MANE Select); coding-DNA position 1247, G replaced by A.
Protein change: p.Arg416His; replaces arginine 416 with histidine.
Molecular consequence: missense variant.
Genome position (GRCh38, 1-based): chr1:223,002,644, G>A. VCF-style: chr1-223002644-G-A. GRCh37 (hg19) VCF-style: chr1-223175986-G-A.
Other names: c.518G>A, p.Arg173His (NM_001350630.2); c.1247G>A, p.Arg416His (NM_001369594.1, NM_001377228.1, NM_032890.5); short protein forms R173H, R416H.
Identifiers: ClinVar variation 3708893 (VCV003708893.2).